The following is an entry in ClinVar:

ClinVar aggregate classification (germline): Likely benign (1 of 4 stars; one submission).

Allele frequency attached by ClinVar (database versions not stated): TOPMed 0.00011; ESP Exome Variant Server 0.00015; 1000 Genomes Project 30x 0.00016; 1000 Genomes Project 0.00020.
gnomAD v4.1: 34 of 1,613,386 alleles (0.0021%); highest among the groups gnomAD compares: African/African-American, 0.039%; no homozygotes.

Submission:

GeneDx
Classification: Likely benign. Last evaluated: 2017-12-18. Review status: criteria provided, single submitter. Criteria: GeneDx Variant Classification (06012015). Collection method: clinical testing. Allele origin: germline. Affected: yes.
Comment: This variant is considered likely benign or benign based on one or more of the following criteria: it is a conservative change, it occurs at a poorly conserved position in the protein, it is predicted to be benign by multiple in silico algorithms, and/or has population frequency not consistent with disease.

NM_058216.3(RAD51C):c.-24C>A

Gene: RAD51C (RAD51 paralog C; plus strand). Cytogenetic location: 17q22.
Variant type: single nucleotide variant.
Coding change: c.-24C>A on transcript NM_058216.3 (MANE Select); 24 bases upstream of the start codon, C replaced by A.
Molecular consequence: 5 prime UTR variant. On other transcripts: non-coding transcript variant (2).
Genome position (GRCh38, 1-based): chr17:58,692,620, C>A. VCF-style: chr17-58692620-C-A. GRCh37 (hg19) VCF-style: chr17-56769981-C-A.
Other names: c.-24C>A (NM_002876.4).
Identifiers: ClinVar variation 386941 (VCV000386941.1), dbSNP rs181444396, ClinGen allele CA8677106.